The following is an entry in ClinVar:

NC_000016.10:g.(?_56913254)_(56913415_?)del

Gene: SLC12A3 (solute carrier family 12 member 3; plus strand). Cytogenetic location: 16q13.
Variant type: Deletion.
Identifiers: ClinVar variation 831295 (VCV000831295.5).

ClinVar aggregate classification (germline): Pathogenic (1 of 4 stars; one submission).

Submission:

Labcorp Genetics (formerly Invitae), Labcorp
Classification: Pathogenic. Last evaluated: 2022-10-26. Review status: criteria provided, single submitter. Criteria: Invitae Variant Classification Sherloc (09022015). Collection method: clinical testing. Allele origin: germline.
Comment: This variant is a gross deletion of the genomic region encompassing exon(s) 26 of the SLC12A3 gene, which includes the termination codon. This deletion extends beyond the assayed region for this gene and therefore may encompass additional genes. While this deletion is not anticipated to lead to nonsense mediated decay, it is expected to alter mRNA translation or result in a truncated protein product. A similar copy number variant has been observed in individuals with Gitelman syndrome (PMID: 17699451, 21415153, 23328711). This variant disrupts a region of the SLC12A3 protein in which other variant(s) (p.Arg1018*) have been determined to be pathogenic (PMID: 12911530, 23475471, 29942493). This suggests that this is a clinically significant region of the protein, and that variants that disrupt it are likely to be disease-causing. For these reasons, this variant has been classified as Pathogenic.

Literature cited by the submitters: PubMed 17699451; PubMed 21415153; PubMed 23328711; PubMed 12911530; PubMed 23475471; PubMed 29942493.